The following is an entry in ClinVar:

ClinVar aggregate classification (germline): Uncertain significance (1 of 4 stars; one submission).

Allele frequency attached by ClinVar (database versions not stated): gnomAD exomes below 0.00001 and 0.00001; ExAC 0.00001.

Submission:

Labcorp Genetics (formerly Invitae), Labcorp
Classification: Uncertain significance. Last evaluated: 2024-02-24. Review status: criteria provided, single submitter. Criteria: Invitae Variant Classification Sherloc (09022015). Collection method: clinical testing. Allele origin: germline.
Comment: This sequence change replaces methionine, which is neutral and non-polar, with leucine, which is neutral and non-polar, at codon 165 of the GUCA1A protein (p.Met165Leu). This variant is not present in population databases (gnomAD no frequency). This variant has not been reported in the literature in individuals affected with GUCA1A-related conditions. ClinVar contains an entry for this variant (Variation ID: 1515072). An algorithm developed to predict the effect of missense changes on protein structure and function (PolyPhen-2) suggests that this variant is likely to be tolerated. In summary, the available evidence is currently insufficient to determine the role of this variant in disease. Therefore, it has been classified as a Variant of Uncertain Significance.

NM_001384910.1(GUCA1A):c.493A>T (p.Met165Leu)

Genes: GUCA1A (guanylate cyclase activator 1A; plus strand), GUCA1ANB-GUCA1A (GUCA1ANB-GUCA1A readthrough; plus strand). Cytogenetic location: 6p21.1.
Variant type: single nucleotide variant.
Coding change: c.493A>T on transcript NM_001384910.1 (MANE Select); coding-DNA position 493, A replaced by T.
Protein change: p.Met165Leu; replaces methionine 165 with leucine.
Molecular consequence: missense variant.
Genome position (GRCh38, 1-based): chr6:42,179,290, A>T. VCF-style: chr6-42179290-A-T. GRCh37 (hg19) VCF-style: chr6-42147028-A-T.
Other names: c.493A>T, p.Met165Leu (NM_000409.5, NM_001319061.2, NM_001319062.2); short protein forms M165L.
Identifiers: ClinVar variation 1515072 (VCV001515072.6), dbSNP rs776948559, ClinGen allele CA3805429.